The following is an entry in ClinVar:

NM_003924.4(PHOX2B):c.575C>T (p.Pro192Leu)

Gene: PHOX2B (paired like homeobox 2B; minus strand). Cytogenetic location: 4p13.
Variant type: single nucleotide variant.
Coding change: c.575C>T on transcript NM_003924.4 (MANE Select); coding-DNA position 575, C replaced by T.
Protein change: p.Pro192Leu; replaces proline 192 with leucine.
Molecular consequence: missense variant.
Genome position (GRCh38, 1-based): chr4:41,746,177, G>A on the plus strand (C>T on the coding strand, the complement: PHOX2B is on the minus strand). VCF-style: chr4-41746177-G-A. GRCh37 (hg19) VCF-style: chr4-41748194-G-A.
Other names: c.575C>T (NM_003924.3); short protein forms P192L.
Identifiers: ClinVar variation 998717 (VCV000998717.9), dbSNP rs1733892653, ClinGen allele CA356737935.

ClinVar aggregate classification (germline): Uncertain significance. Review status: criteria provided, multiple submitters, no conflicts (2 of 4 stars). 2 submissions from 2 submitters: Uncertain significance (2). Last evaluated 2025-06-11.

Conditions:
Hereditary cancer-predisposing syndrome. Also called: Neoplastic Syndromes, Hereditary; Tumor predisposition; Hereditary Cancer Syndrome; Hereditary neoplastic syndrome. Identifiers: Orphanet 140162, MedGen C0027672, MeSH D009386, MONDO:0015356.
Haddad syndrome (OHD). Also called: Ondine-Hirschsprung disease. Identifiers: Orphanet 99803, MedGen C1859049, MONDO:0020493.

Submissions (2):

Ambry Genetics
Classification: Uncertain significance for Hereditary cancer-predisposing syndrome. Last evaluated: 2025-06-11. Review status: criteria provided, single submitter. Criteria: Ambry Variant Classification Scheme 2023. Collection method: clinical testing. Allele origin: germline.
Comment: The p.P192L variant (also known as c.575C>T), located in coding exon 3 of the PHOX2B gene, results from a C to T substitution at nucleotide position 575. The proline at codon 192 is replaced by leucine, an amino acid with similar properties. This amino acid position is well conserved in available vertebrate species. In addition, the in silico prediction for this alteration is inconclusive. Based on the available evidence, the clinical significance of this variant remains unclear.

Labcorp Genetics (formerly Invitae), Labcorp
Classification: Uncertain significance for Haddad syndrome. Last evaluated: 2020-10-28. Review status: criteria provided, single submitter. Criteria: Invitae Variant Classification Sherloc (09022015). Collection method: clinical testing. Allele origin: germline.
Comment: In summary, the available evidence is currently insufficient to determine the role of this variant in disease. Therefore, it has been classified as a Variant of Uncertain Significance. Algorithms developed to predict the effect of missense changes on protein structure and function are either unavailable or do not agree on the potential impact of this missense change (SIFT: "Deleterious"; PolyPhen-2: "Not Available"; Align-GVGD: "Class C65"). This variant has not been reported in the literature in individuals with PHOX2B-related conditions. This variant is not present in population databases (ExAC no frequency). This sequence change replaces proline with leucine at codon 192 of the PHOX2B protein (p.Pro192Leu). The proline residue is highly conserved and there is a moderate physicochemical difference between proline and leucine.